The following is an entry in ClinVar:

ClinVar aggregate classification (germline): Uncertain significance (1 of 4 stars; one submission).

Conditions:
Noonan syndrome 5 (NS5). Also called: RAF1-Related Noonan Syndrome. Identifiers: Orphanet 648, MedGen C1969057, MONDO:0012690, OMIM 611553. Disease mechanism: gain of function.

Submission:

Victorian Clinical Genetics Services, Murdoch Childrens Research Institute
Classification: Uncertain significance for Noonan syndrome 5. Last evaluated: 2025-08-01. Review status: criteria provided, single submitter. Criteria: ACMG Guidelines, 2015. Collection method: clinical testing. Allele origin: germline. Affected: yes.
Comment: This variant is classified as VUS-3A. Evidence in support of pathogenic classification: Variant is absent from gnomAD (v2, v3 and v4); Missense variant predicted to be damaging by in silico tool(s) or highly conserved with a major amino acid change. Additional information: Variant is predicted to result in a missense amino acid change from Ala to Val; This variant is heterozygous; This gene is associated with autosomal dominant disease; This variant has no previous evidence of pathogenicity; No published evidence of segregation with disease has been identified for this variant; No published functional evidence has been identified for this variant; No comparable missense variants have previous evidence for pathogenicity; Variant is located in the annotated protein kinase domain (DECIPHER); Loss of function and gain of function are known mechanisms of disease in this gene. Gain of function is associated with Noonan (MIM#611553) and LEOPARD syndromes (MIM#2611554), while loss of function is associated with non-HCM-associated variants (PMIDs: 17603483, 17603482).

Literature cited by the submitters: PubMed 17603482; PubMed 17603483.

NM_002880.4(RAF1):c.1118C>T (p.Ala373Val)

Gene: RAF1 (Raf-1 proto-oncogene, serine/threonine kinase; minus strand). Cytogenetic location: 3p25.2.
Variant type: single nucleotide variant.
Coding change: c.1118C>T on transcript NM_002880.4 (MANE Select); coding-DNA position 1118, C replaced by T.
Protein change: p.Ala373Val; replaces alanine 373 with valine.
Molecular consequence: missense variant. On other transcripts: non-coding transcript variant (3).
Genome position (GRCh38, 1-based): chr3:12,591,783, G>A on the plus strand (C>T on the coding strand, the complement: RAF1 is on the minus strand). VCF-style: chr3-12591783-G-A. GRCh37 (hg19) VCF-style: chr3-12633282-G-A.
Other names: c.1178C>T, p.Ala393Val (NM_001354689.3); c.1118C>T, p.Ala373Val (NM_001354690.3); c.875C>T, p.Ala292Val (NM_001354691.3, NM_001354692.3); c.1019C>T, p.Ala340Val (NM_001354693.3); c.935C>T, p.Ala312Val (NM_001354694.3); c.776C>T, p.Ala259Val (NM_001354695.3); short protein forms A259V, A292V, A312V, A340V, A373V, A393V.
Identifiers: ClinVar variation 4531874 (VCV004531874.1).